The following is an entry in ClinVar:

ClinVar aggregate classification (germline): Uncertain significance (1 of 4 stars; one submission).

Allele frequency attached by ClinVar (database versions not stated): gnomAD 0.00001.
gnomAD v4.1: 6 of 1,613,910 alleles (0.00037%); highest among the groups gnomAD compares: African/African-American, 0.0027%; no homozygotes.

Submission:

Labcorp Genetics (formerly Invitae), Labcorp
Classification: Uncertain significance. Last evaluated: 2022-04-20. Review status: criteria provided, single submitter. Criteria: Invitae Variant Classification Sherloc (09022015). Collection method: clinical testing. Allele origin: germline.
Comment: This sequence change replaces alanine, which is neutral and non-polar, with valine, which is neutral and non-polar, at codon 888 of the PCNT protein (p.Ala888Val). This variant is present in population databases (rs776889427, gnomAD 0.004%). This variant has not been reported in the literature in individuals affected with PCNT-related conditions. Algorithms developed to predict the effect of missense changes on protein structure and function are either unavailable or do not agree on the potential impact of this missense change (SIFT: "Tolerated"; PolyPhen-2: "Possibly Damaging"; Align-GVGD: "Class C0"). In summary, the available evidence is currently insufficient to determine the role of this variant in disease. Therefore, it has been classified as a Variant of Uncertain Significance.

NM_006031.6(PCNT):c.2663C>T (p.Ala888Val)

Gene: PCNT (pericentrin; plus strand). Cytogenetic location: 21q22.3.
Variant type: single nucleotide variant.
Coding change: c.2663C>T on transcript NM_006031.6 (MANE Select); coding-DNA position 2663, C replaced by T.
Protein change: p.Ala888Val; replaces alanine 888 with valine.
Molecular consequence: missense variant.
Genome position (GRCh38, 1-based): chr21:46,366,637, C>T. VCF-style: chr21-46366637-C-T. GRCh37 (hg19) VCF-style: chr21-47786552-C-T.
Other names: c.2309C>T, p.Ala770Val (NM_001315529.2); short protein forms A770V, A888V.
Identifiers: ClinVar variation 2128537 (VCV002128537.1), dbSNP rs776889427, ClinGen allele CA10079065.